The following is an entry in ClinVar:

ClinVar aggregate classification (germline): Uncertain significance (1 of 4 stars; one submission).

Submission:

Labcorp Genetics (formerly Invitae), Labcorp
Classification: Uncertain significance. Last evaluated: 2023-10-09. Review status: criteria provided, single submitter. Criteria: Invitae Variant Classification Sherloc (09022015). Collection method: clinical testing. Allele origin: germline.
Comment: This variant, c.644_661dup, results in the insertion of 6 amino acid(s) of the LTBP4 protein (p.Val215_Ala220dup), but otherwise preserves the integrity of the reading frame. This variant is not present in population databases (gnomAD no frequency). This variant has not been reported in the literature in individuals affected with LTBP4-related conditions. Experimental studies and prediction algorithms are not available or were not evaluated, and the functional significance of this variant is currently unknown. In summary, the available evidence is currently insufficient to determine the role of this variant in disease. Therefore, it has been classified as a Variant of Uncertain Significance.

NM_001042545.2(LTBP4):c.554_571dup (p.Ala190_Ala191insValAlaArgAlaGluAla)

Gene: LTBP4 (latent transforming growth factor beta binding protein 4; plus strand). Cytogenetic location: 19q13.2.
Variant type: Duplication.
Coding change: c.554_571dup on transcript NM_001042545.2 (MANE Select); coding-DNA positions 554 to 571, 18 bases duplicated (TGGCGCGGGCGGAAGCGG).
Protein change: p.Ala190_Ala191insValAlaArgAlaGluAla.
Molecular consequence: inframe insertion.
Genome position (GRCh38, 1-based): chr19:40,605,516-40,605,533, TGGCGCGGGCGGAAGCGG duplicated; duplicating any 18 consecutive bases within chr19:40,605,512-40,605,533 gives the same sequence; the c. name uses the placement nearest the transcript's 3' end. VCF-style (leftmost placement, unchanged base first): chr19-40605511-G-GGCGGTGGCGCGGGCGGAA. GRCh37 (hg19) VCF-style: chr19-41111417-G-GGCGGTGGCGCGGGCGGAA.
Other names: c.755_772dup, p.Ala257_Ala258insValAlaArgAlaGluAla (NM_001042544.1); c.644_661dup, p.Ala220_Ala221insValAlaArgAlaGluAla (NM_003573.2).
Identifiers: ClinVar variation 2874610 (VCV002874610.3), dbSNP rs770615852, ClinGen allele CA2336060033.